The following is an entry in ClinVar:

NM_000179.3(MSH6):c.724A>G (p.Ser242Gly)

Gene: MSH6 (mutS homolog 6; plus strand). Cytogenetic location: 2p16.3.
Variant type: single nucleotide variant.
Coding change: c.724A>G on transcript NM_000179.3 (MANE Select); coding-DNA position 724, A replaced by G.
Protein change: p.Ser242Gly; replaces serine 242 with glycine.
Molecular consequence: missense variant. On other transcripts: 5 prime UTR variant (2).
Genome position (GRCh38, 1-based): chr2:47,798,707, A>G. VCF-style: chr2-47798707-A-G. GRCh37 (hg19) VCF-style: chr2-48025846-A-G.
Other names: c.334A>G, p.Ser112Gly (NM_001281492.2); c.-183A>G (NM_001281493.2, NM_001281494.2); c.724A>G (NM_000179.2); short protein forms S112G, S242G.
Identifiers: ClinVar variation 1377936 (VCV001377936.8), dbSNP rs2104293692, ClinGen allele CA346740015.

ClinVar aggregate classification (germline): Uncertain significance. Review status: criteria provided, multiple submitters, no conflicts (2 of 4 stars). 2 submissions from 2 submitters: Uncertain significance (2). Last evaluated 2023-07-23.

Conditions:
Hereditary nonpolyposis colorectal neoplasms. Identifiers: MedGen C0009405, MeSH D003123.
Hereditary cancer-predisposing syndrome. Also called: Neoplastic Syndromes, Hereditary; Hereditary Cancer Syndrome; Tumor predisposition; Hereditary neoplastic syndrome. Identifiers: Orphanet 140162, MedGen C0027672, MeSH D009386, MONDO:0015356.

Submissions (2):

Ambry Genetics
Classification: Uncertain significance for Hereditary cancer-predisposing syndrome. Last evaluated: 2023-07-23. Review status: criteria provided, single submitter. Criteria: Ambry Variant Classification Scheme 2023. Collection method: clinical testing. Allele origin: germline.
Comment: The p.S242G variant (also known as c.724A>G), located in coding exon 4 of the MSH6 gene, results from an A to G substitution at nucleotide position 724. The serine at codon 242 is replaced by glycine, an amino acid with similar properties. This amino acid position is conserved. In addition, this alteration is predicted to be tolerated by in silico analysis. Since supporting evidence is limited at this time, the clinical significance of this alteration remains unclear.

Labcorp Genetics (formerly Invitae), Labcorp
Classification: Uncertain significance for Hereditary nonpolyposis colorectal neoplasms. Last evaluated: 2021-08-27. Review status: criteria provided, single submitter. Criteria: Invitae Variant Classification Sherloc (09022015). Collection method: clinical testing. Allele origin: germline.
Comment: In summary, the available evidence is currently insufficient to determine the role of this variant in disease. Therefore, it has been classified as a Variant of Uncertain Significance. Advanced modeling of protein sequence and biophysical properties (such as structural, functional, and spatial information, amino acid conservation, physicochemical variation, residue mobility, and thermodynamic stability) performed at Invitae indicates that this missense variant is not expected to disrupt MSH6 protein function. This variant has not been reported in the literature in individuals affected with MSH6-related conditions. This variant is not present in population databases (ExAC no frequency). This sequence change replaces serine with glycine at codon 242 of the MSH6 protein (p.Ser242Gly). The serine residue is weakly conserved and there is a small physicochemical difference between serine and glycine.